The following is an entry in ClinVar:

NM_000419.5(ITGA2B):c.559del (p.Val187fs)

Gene: ITGA2B (integrin subunit alpha 2b; minus strand). Cytogenetic location: 17q21.31.
Variant type: Deletion.
Coding change: c.559del on transcript NM_000419.5 (MANE Select); coding-DNA position 559, one base deleted (G; older notation c.559delG).
Protein change: p.Val187fs; shifts the reading frame from valine 187.
Molecular consequence: frameshift variant.
Genome position (GRCh38, 1-based): chr17:44,385,566, C deleted on the plus strand (G on the coding strand, the reverse complement: ITGA2B is on the minus strand). VCF-style (leftmost placement, unchanged base first): chr17-44385565-AC-A. GRCh37 (hg19) VCF-style: chr17-42462933-AC-A.
Other names: c.559del (LRG_479t1); short protein forms V187fs.
Identifiers: ClinVar variation 627093 (VCV000627093.7), dbSNP rs1469711487, ClinGen allele CA626224613.

ClinVar aggregate classification (germline): Pathogenic. Review status: reviewed by expert panel (3 of 4 stars). 4 submissions from 4 submitters: Pathogenic (1). 3 of the submissions do not count toward it. Last evaluated 2021-05-07.

Conditions:
Glanzmann thrombasthenia. Also called: THROMBASTHENIA OF GLANZMANN AND NAEGELI; Thrombasthenia; Glanzmann's thrombasthenia; PLATELET GLYCOPROTEIN IIb-IIIa DEFICIENCY. Identifiers: Orphanet 849, MedGen C0040015, MONDO:0100326.
Glanzmann thrombasthenia 1 (GT1). Also called: BLEEDING DISORDER, PLATELET-TYPE, 2; GP IIb-IIIa COMPLEX DEFICIENCY; GLYCOPROTEIN COMPLEX IIb-IIIa DEFICIENCY; PLATELET FIBRINOGEN RECEPTOR DEFICIENCY. Identifiers: MedGen CN300358, MONDO:0031332, OMIM 273800.

Allele frequency attached by ClinVar (database versions not stated): gnomAD exomes below 0.00001 and 0.00001.

Submissions (4):

ClinGen Platelet Disorders Variant Curation Expert Panel, ClinGen
Classification: Pathogenic for Glanzmann thrombasthenia. Last evaluated: 2021-05-07. Review status: reviewed by expert panel. Criteria: ClinGen Platelet ACMG Specifications v2. Collection method: curation. Allele origin: germline. Inheritance: Autosomal recessive inheritance.
Comment: The NM_000419.5(ITGA2B):c.559del (p.Val187TrpfsTer37) frameshift variant has been reported homozygous in at least 2 GT probands (PMIDs: 19691478, 31064749). It is predicted to undergo NMD due to creation of a premature stop codon in exon 7. The overall allele frequency in gnomAD is extremely low at 0.000004723, with a MAF of 0.00003507 in the South Asian population. In summary, this variant meets criteria to be classified as Pathogenic for GT. GT-specific criteria applied: PVS1, PM2_supporting, PM3_supporting, and PP4_moderate.

Labcorp Genetics (formerly Invitae), Labcorp
Classification: Pathogenic for Glanzmann thrombasthenia. Last evaluated: 2023-06-04. Review status: criteria provided, single submitter. Criteria: Invitae Variant Classification Sherloc (09022015). Collection method: clinical testing. Allele origin: germline. Not counted in ClinVar's aggregate classification.
Comment: For these reasons, this variant has been classified as Pathogenic. ClinVar contains an entry for this variant (Variation ID: 627093). This premature translational stop signal has been observed in individual(s) with Glanzmann thrombasthenia (PMID: 19691478). This variant is present in population databases (no rsID available, gnomAD 0.003%). This sequence change creates a premature translational stop signal (p.Val187Trpfs*37) in the ITGA2B gene. It is expected to result in an absent or disrupted protein product. Loss-of-function variants in ITGA2B are known to be pathogenic (PMID: 21917754).

NIHR Bioresource Rare Diseases, University of Cambridge
Classification: Pathogenic for Glanzmann thrombasthenia 1. Last evaluated: 2019-02-01. Review status: criteria provided, single submitter. Criteria: ACMG Guidelines, 2015. Collection method: research. Allele origin: unknown. Affected: yes. Observed: 1 homozygote. Study: ThromboGenomics. Not counted in ClinVar's aggregate classification.

ISTH-SSC Genomics in Thrombosis and Hemostasis, KU Leuven, Center for Molecular and Vascular Biology
Classification: Likely pathogenic for Glanzmann thrombasthenia 1. Review status: criteria provided, single submitter. Criteria: ACMG Guidelines, 2015. Collection method: clinical testing. Allele origin: unknown. Affected: yes. Not counted in ClinVar's aggregate classification.
Comment: Submitted to GoldVariant by Kathleen Freson, Center for Molecular and Vascular Biology, Leuven, Belgium

Literature cited by the submitters: PubMed 19691478 (cited by Labcorp Genetics (formerly Invitae), Labcorp); PubMed 21917754 (cited by Labcorp Genetics (formerly Invitae), Labcorp); PubMed 31064749 (cited by NIHR Bioresource Rare Diseases, University of Cambridge); PubMed 34355501 (cited by ISTH-SSC Genomics in Thrombosis and Hemostasis, KU Leuven, Center for Molecular and Vascular Biology).